The following is an entry in ClinVar:

NM_024334.3(TMEM43):c.136T>C (p.Ser46Pro)

Gene: TMEM43 (transmembrane protein 43; plus strand). Cytogenetic location: 3p25.1.
Variant type: single nucleotide variant.
Coding change: c.136T>C on transcript NM_024334.3 (MANE Select); coding-DNA position 136, T replaced by C.
Protein change: p.Ser46Pro; replaces serine 46 with proline.
Molecular consequence: missense variant.
Genome position (GRCh38, 1-based): chr3:14,129,535, T>C. VCF-style: chr3-14129535-T-C. GRCh37 (hg19) VCF-style: chr3-14171035-T-C.
Other names: short protein forms S46P.
Identifiers: ClinVar variation 241467 (VCV000241467.11), dbSNP rs145510310, ClinGen allele CA051850.

ClinVar aggregate classification (germline): Conflicting classifications of pathogenicity. Review status: criteria provided, conflicting classifications (1 of 4 stars). 2 submissions from 2 submitters: Uncertain significance (1); Likely benign (1). Last evaluated 2025-12-21.

Conditions:
Arrhythmogenic right ventricular dysplasia 5. Also called: ARRHYTHMOGENIC RIGHT VENTRICULAR DYSPLASIA, FAMILIAL, 5; Arrhythmogenic Right Ventricular Dysplasia/Cardiomyopathy 5. Identifiers: MedGen C1858379, MONDO:0011459, OMIM 604400.
Cardiovascular phenotype. Identifiers: MedGen CN230736.

Allele frequency attached by ClinVar (database versions not stated): gnomAD 0.00001; TOPMed 0.00002; ESP Exome Variant Server 0.00008; ExAC 0.00001.
gnomAD v4.1: 3 of 1,614,006 alleles (0.00019%); highest among the groups gnomAD compares: African/African-American, 0.0027%; no homozygotes.

Submissions (2):

Ambry Genetics
Classification: Likely benign for Cardiovascular phenotype. Last evaluated: 2025-12-21. Review status: criteria provided, single submitter. Criteria: Ambry Variant Classification Scheme 2023. Collection method: clinical testing. Allele origin: germline.

Labcorp Genetics (formerly Invitae), Labcorp
Classification: Uncertain significance for Arrhythmogenic right ventricular dysplasia 5. Last evaluated: 2024-02-27. Review status: criteria provided, single submitter. Criteria: Invitae Variant Classification Sherloc (09022015). Collection method: clinical testing. Allele origin: germline.
Comment: This sequence change replaces serine, which is neutral and polar, with proline, which is neutral and non-polar, at codon 46 of the TMEM43 protein (p.Ser46Pro). This variant is present in population databases (rs145510310, gnomAD 0.007%). This variant has not been reported in the literature in individuals affected with TMEM43-related conditions. ClinVar contains an entry for this variant (Variation ID: 241467). Advanced modeling of protein sequence and biophysical properties (such as structural, functional, and spatial information, amino acid conservation, physicochemical variation, residue mobility, and thermodynamic stability) performed at Invitae indicates that this missense variant is expected to disrupt TMEM43 protein function with a positive predictive value of 80%. In summary, the available evidence is currently insufficient to determine the role of this variant in disease. Therefore, it has been classified as a Variant of Uncertain Significance.